The following is an entry in ClinVar:

ClinVar aggregate classification (germline): Likely benign. Review status: criteria provided, multiple submitters, no conflicts (2 of 4 stars). 2 submissions from 2 submitters: Likely benign (2). Last evaluated 2026-04-29.

Conditions:
COL18A1-related disorder. Also called: COL18A1-related disorders; COL18A1-related condition.

gnomAD v4.1: 37 of 1,612,872 alleles (0.0023%); highest among the groups gnomAD compares: Non-Finnish European, 0.0029%; no homozygotes.

Submissions (2):

PreventionGenetics, part of Exact Sciences
Classification: Likely benign for COL18A1-related condition. Last evaluated: 2026-04-29. Review status: criteria provided, single submitter. Criteria: ACMG Guidelines, 2015. Collection method: clinical testing. Allele origin: germline.
Comment: This variant is classified as likely benign based on ACMG/AMP sequence variant interpretation guidelines (Richards et al. 2015 PMID: 25741868, with internal and published modifications).

Labcorp Genetics (formerly Invitae), Labcorp
Classification: Likely benign. Last evaluated: 2024-10-31. Review status: criteria provided, single submitter. Criteria: Invitae Variant Classification Sherloc (09022015). Collection method: clinical testing. Allele origin: germline.

NM_001379500.1(COL18A1):c.107-12262C>T

Gene: COL18A1 (collagen type XVIII alpha 1 chain; plus strand). Cytogenetic location: 21q22.3.
Variant type: single nucleotide variant.
Coding change: c.107-12262C>T on transcript NM_001379500.1 (MANE Select); 12262 bases into the intron before coding-DNA position 107, C replaced by T.
Molecular consequence: intron variant. On other transcripts: synonymous variant (2).
Genome position (GRCh38, 1-based): chr21:45,455,980, C>T. VCF-style: chr21-45455980-C-T. GRCh37 (hg19) VCF-style: chr21-46875894-C-T.
Other names: c.450C>T, p.Gly150= (NM_030582.4, NM_130444.3); c.450C>T (NM_030582.3).
Identifiers: ClinVar variation 1612191 (VCV001612191.9), dbSNP rs780033569, ClinGen allele CA10065478.